The following is an entry in ClinVar:

ClinVar aggregate classification (germline): Uncertain significance (1 of 4 stars; one submission).

Conditions:
Ehlers-Danlos syndrome, type 4 (EDSVASC). Also called: Ehlers-Danlos syndrome vascular type; Ehlers Danlos syndrome, ecchymotic type; Ehlers Danlos syndrome, arterial type; Ehlers Danlos syndrome, Sack-Barabas type; Ehlers-Danlos Syndrome Type IV. Identifiers: Orphanet 286, MedGen C0268338, MONDO:0017314, OMIM 130050.

Submission:

Labcorp Genetics (formerly Invitae), Labcorp
Classification: Uncertain significance for Ehlers-Danlos syndrome, type 4. Last evaluated: 2024-08-28. Review status: criteria provided, single submitter. Criteria: Invitae Variant Classification Sherloc (09022015). Collection method: clinical testing. Allele origin: germline.
Comment: This sequence change falls in intron 32 of the COL3A1 gene. It does not directly change the encoded amino acid sequence of the COL3A1 protein. It affects a nucleotide within the consensus splice site. This variant is not present in population databases (gnomAD no frequency). This variant has been observed in individual(s) with vascular Ehlers–Danlos syndrome (PMID: 36189931). Variants that disrupt the consensus splice site are a relatively common cause of aberrant splicing (PMID: 17576681, 9536098). Algorithms developed to predict the effect of sequence changes on RNA splicing suggest that this variant may disrupt the consensus splice site. In summary, the available evidence is currently insufficient to determine the role of this variant in disease. Therefore, it has been classified as a Variant of Uncertain Significance.

Literature cited by the submitters: PubMed 36189931; PubMed 17576681; PubMed 9536098.

NM_000090.4(COL3A1):c.2283+5G>T

Gene: COL3A1 (collagen type III alpha 1 chain; plus strand). Cytogenetic location: 2q32.2.
Variant type: single nucleotide variant.
Coding change: c.2283+5G>T on transcript NM_000090.4 (MANE Select); 5 bases into the intron after coding-DNA position 2283, G replaced by T.
Molecular consequence: intron variant.
Genome position (GRCh38, 1-based): chr2:188,999,900, G>T. VCF-style: chr2-188999900-G-T. GRCh37 (hg19) VCF-style: chr2-189864626-G-T.
Identifiers: ClinVar variation 3663611 (VCV003663611.2).
Genomic context (GRCh38, chr2:188,999,900, plus strand): 5'-AGGGTGAACCAGGCGGTCCAGGTGCTGATGGTGTCCCAGGGAAAGATGGCCCAAGGGTGA[G>T]TATTCCCAGTGAGGAGAAGCAGGCCTTATCTATATGTCATATGGGACAGTCCTGCACTTC-3'